The following is an entry in ClinVar:

ClinVar aggregate classification (germline): Uncertain significance. Review status: criteria provided, multiple submitters, no conflicts (2 of 4 stars). 3 submissions from 3 submitters: Uncertain significance (3). Last evaluated 2026-03-15.

Conditions:
LAMA5-related disorder. Also called: LAMA5-related condition; LAMA5-Related Disorders.
Inborn genetic diseases. Identifiers: MedGen C0950123, MeSH D030342.

Allele frequency attached by ClinVar (database versions not stated): ExAC 0.00005; ESP Exome Variant Server 0.00008; gnomAD 0.00019; TOPMed 0.00019.
gnomAD v4.1: 90 of 1,612,360 alleles (0.0056%); highest among the groups gnomAD compares: African/African-American, 0.061%; no homozygotes.

Submissions (3):

PreventionGenetics, part of Exact Sciences
Classification: Uncertain significance for LAMA5-related condition. Last evaluated: 2026-03-15. Review status: criteria provided, single submitter. Criteria: ACMG Guidelines, 2015. Collection method: clinical testing. Allele origin: germline.
Comment: The LAMA5 c.2270G>A variant is predicted to result in the amino acid substitution p.Arg757His. To our knowledge, this variant has not been reported in the literature. This variant is reported in 0.044% of alleles in individuals of African descent in gnomAD. At this time, the clinical significance of this variant is uncertain due to the absence of conclusive functional and genetic evidence.

Labcorp Genetics (formerly Invitae), Labcorp
Classification: Uncertain significance. Last evaluated: 2025-09-15. Review status: criteria provided, single submitter. Criteria: Invitae Variant Classification Sherloc (09022015). Collection method: clinical testing. Allele origin: germline.
Comment: This sequence change replaces arginine, which is basic and polar, with histidine, which is basic and polar, at codon 757 of the LAMA5 protein (p.Arg757His). This variant is present in population databases (rs142678908, gnomAD 0.05%). This variant has not been reported in the literature in individuals affected with LAMA5-related conditions. ClinVar contains an entry for this variant (Variation ID: 2177202). An algorithm developed to predict the effect of missense changes on protein structure and function outputs the following: PolyPhen-2: "Possibly Damaging". The histidine amino acid residue is found in multiple mammalian species, which suggests that this missense change does not adversely affect protein function. In summary, the available evidence is currently insufficient to determine the role of this variant in disease. Therefore, it has been classified as a Variant of Uncertain Significance.

Ambry Genetics
Classification: Uncertain significance for Inborn genetic diseases. Last evaluated: 2025-06-10. Review status: criteria provided, single submitter. Criteria: Ambry Variant Classification Scheme 2023. Collection method: clinical testing. Allele origin: germline.

NM_005560.6(LAMA5):c.2270G>A (p.Arg757His)

Gene: LAMA5 (laminin subunit alpha 5; minus strand). Cytogenetic location: 20q13.33.
Variant type: single nucleotide variant.
Coding change: c.2270G>A on transcript NM_005560.6 (MANE Select); coding-DNA position 2270, G replaced by A.
Protein change: p.Arg757His; replaces arginine 757 with histidine.
Molecular consequence: missense variant.
Genome position (GRCh38, 1-based): chr20:62,336,393, C>T on the plus strand (G>A on the coding strand, the complement: LAMA5 is on the minus strand). VCF-style: chr20-62336393-C-T. GRCh37 (hg19) VCF-style: chr20-60911449-C-T.
Other names: c.2270G>A (NM_005560.4, NM_005560.3); short protein forms R757H.
Identifiers: ClinVar variation 2177202 (VCV002177202.7), dbSNP rs142678908, ClinGen allele CA9943520.